The following is an entry in ClinVar:

NM_000059.4(BRCA2):c.3966_3968del (p.Asn1322del)

Gene: BRCA2 (BRCA2 DNA repair associated; plus strand). Cytogenetic location: 13q13.1.
Variant type: Deletion.
Coding change: c.3966_3968del on transcript NM_000059.4 (MANE Select); coding-DNA positions 3966 to 3968, 3 bases deleted (CAA; older notation c.3966_3968delCAA).
Protein change: p.Asn1322del; deletes asparagine 1322.
Molecular consequence: inframe deletion.
Genome position (GRCh38, 1-based): chr13:32,338,321-32,338,323, CAA deleted; deleting any 3 consecutive bases within chr13:32,338,319-32,338,323 gives the same sequence; the c. name uses the placement nearest the transcript's 3' end. VCF-style (leftmost placement, unchanged base first): chr13-32338318-TAAC-T. GRCh37 (hg19) VCF-style: chr13-32912455-TAAC-T.
Other names: c.3966_3968delCAA (NM_000059.3).
Identifiers: ClinVar variation 37868 (VCV000037868.33), dbSNP rs397507319, ClinGen allele CA019288.
Genomic context (GRCh38, chr13:32,338,318, plus strand): 5'-TACTGGCACTTTTGTTGAAGAAATTACTGAAAATTACAAGAGAAATACTGAAAATGAAGA[TAAC>T]AAATATACTGCTGCCAGTAGAAATTCTCATAACTTAGAATTTGATGGCAGTGATTCAAGT-3'

ClinVar aggregate classification (germline): Uncertain significance. Review status: criteria provided, multiple submitters, no conflicts (2 of 4 stars). 9 submissions from 9 submitters: Uncertain significance (6). 3 of the submissions do not count toward it. Last evaluated 2026-01-16.

Conditions:
BRCA2-related disorder. Also called: BRCA2-related condition; BRCA2-related disorders. Identifiers: MedGen CN239275.
Hereditary cancer-predisposing syndrome. Also called: Tumor predisposition; Neoplastic Syndromes, Hereditary; Hereditary neoplastic syndrome; Hereditary Cancer Syndrome. Identifiers: Orphanet 140162, MedGen C0027672, MeSH D009386, MONDO:0015356.
Hereditary breast ovarian cancer syndrome. Also called: Hereditary breast and ovarian cancer; Hereditary breast and ovarian cancer syndrome (HBOC); Hereditary breast and/or ovarian cancer syndrome; Breast and ovarian cancer; Hereditary breast and ovarian cancer syndrome; BRCA1- and BRCA2-Associated Hereditary Breast and Ovarian Cancer. Identifiers: Orphanet 145, MedGen C0677776, MeSH D061325, MONDO:0003582. Disease mechanism: loss of function.
Breast-ovarian cancer, familial, susceptibility to, 2 (BROVCA2). Also called: BRCA2 Hereditary Breast and Ovarian Cancer. Identifiers: Orphanet 145, MedGen C2675520, MONDO:0012933, OMIM 612555. Disease mechanism: loss of function.

Submissions (9):

Labcorp Genetics (formerly Invitae), Labcorp
Classification: Uncertain significance for Hereditary breast ovarian cancer syndrome. Last evaluated: 2026-01-16. Review status: criteria provided, single submitter. Criteria: Invitae Variant Classification Sherloc (09022015). Collection method: clinical testing. Allele origin: germline.
Comment: This variant, c.3966_3968del, results in the deletion of 1 amino acid(s) of the BRCA2 protein (p.Asn1322del), but otherwise preserves the integrity of the reading frame. This variant is present in population databases (rs761018415, gnomAD 0.001%). This variant has not been reported in the literature in individuals affected with BRCA2-related conditions. ClinVar contains an entry for this variant (Variation ID: 37868). In summary, the available evidence is currently insufficient to determine the role of this variant in disease. Therefore, it has been classified as a Variant of Uncertain Significance.

Quest Diagnostics Nichols Institute San Juan Capistrano
Classification: Uncertain significance. Last evaluated: 2025-07-22. Review status: criteria provided, single submitter. Criteria: Quest Diagnostics criteria. Collection method: clinical testing. Allele origin: unknown.
Comment: The BRCA2 c.3966_3968del (p.Asn1322del) variant has been reported in the published literature in individuals undergoing genetic testing for hereditary cancer (PMID: 31853058 (2020)) and an individual affected with cervical cancer or dysplasia (PMID: 39440754 (2024)). The frequency of this variant in the general population (Genome Aggregation Database) is uninformative in the assessment of its pathogenicity. Based on the available information, we are unable to determine the clinical significance of this variant.

Ambry Genetics
Classification: Uncertain significance for Hereditary cancer-predisposing syndrome. Last evaluated: 2025-06-11. Review status: criteria provided, single submitter. Criteria: Ambry Variant Classification Scheme 2023. Collection method: clinical testing. Allele origin: germline.
Comment: The c.3966_3968delCAA variant (also known as p.N1322del) is located in coding exon 10 of the BRCA2 gene. This variant results from an in-frame CAA deletion at nucleotide positions 3966 to 3968. This results in the in-frame deletion of an asparagine residue at codon 1322. This amino acid position is not well conserved in available vertebrate species. In addition, this alteration is predicted to be deleterious by in silico analysis (Choi Y et al. PLoS ONE. 2012; 7(10):e46688). Based on the available evidence, the clinical significance of this variant remains unclear.

Women's Health and Genetics/Laboratory Corporation of America, LabCorp
Classification: Uncertain significance. Last evaluated: 2023-08-29. Review status: criteria provided, single submitter. Criteria: LabCorp Variant Classification Summary - May 2015. Collection method: clinical testing. Allele origin: germline.
Comment: Variant summary: BRCA2 c.3966_3968delCAA (p.Asn1322del) results in an in-frame deletion that is predicted to remove one amino acid from the encoded protein. The variant allele was found at a frequency of 8.8e-06 in 226692 control chromosomes. The available data on variant occurrences in the general population are insufficient to allow any conclusion about variant significance. To our knowledge, no occurrence of c.3966_3968delCAA in individuals affected with Hereditary Breast And Ovarian Cancer Syndrome and no experimental evidence demonstrating its impact on protein function have been reported. Six submitters have cited clinical-significance assessments for this variant to ClinVar after 2014. All submitters classified the variant as uncertain significance. Based on the evidence outlined above, the variant was classified as uncertain significance.

Color Diagnostics, LLC DBA Color Health
Classification: Uncertain significance for Hereditary cancer-predisposing syndrome. Last evaluated: 2023-05-15. Review status: criteria provided, single submitter. Criteria: ACMG Guidelines, 2015. Collection method: clinical testing. Allele origin: germline.
Comment: This variant causes an in-frame deletion of one amino acid at codon 1322 in the BRCA2 protein. This variant occurs at a position that is not well conserved and the deleted amino acid is absent in several mammalian species. To our knowledge, functional studies have not been reported for this variant. This variant has not been reported in individuals affected with hereditary cancer in the literature. This variant has been identified in 2/226692 chromosomes in the general population by the Genome Aggregation Database (gnomAD). The available evidence is insufficient to determine the role of this variant in disease conclusively. Therefore, this variant is classified as a Variant of Uncertain Significance.

GeneDx
Classification: Uncertain significance. Last evaluated: 2023-02-06. Review status: criteria provided, single submitter. Criteria: GeneDx Variant Classification Process June 2021. Collection method: clinical testing. Allele origin: germline. Affected: yes.
Comment: In-frame deletion of 1 amino acid in a non-repeat region; In silico analysis supports a deleterious effect on protein structure/function; Has not been previously published as pathogenic or benign to our knowledge; Not observed at significant frequency in large population cohorts (gnomAD); Also known as 4194_4196delCAA; This variant is associated with the following publications: (PMID: 25203624, 26295337)

PreventionGenetics, part of Exact Sciences
Classification: Uncertain significance for BRCA2-related condition. Last evaluated: 2024-08-13. Review status: no assertion criteria provided. Collection method: clinical testing. Allele origin: germline. Not counted in ClinVar's aggregate classification.
Comment: The BRCA2 c.3966_3968delCAA variant is predicted to result in an in-frame deletion (p.Asn1322del). To our knowledge, this variant has not been reported in the literature. This variant is reported in 0.0019% of alleles in individuals of European (Non-Finnish) descent in gnomAD and is interpreted as a variant of uncertain significance in ClinVar. At this time, the clinical significance of this variant is uncertain due to the absence of conclusive functional and genetic evidence.

Department of Medical and Surgical Sciences, University of Bologna
Classification: Likely benign for Breast-ovarian cancer, familial, susceptibility to, 2. Last evaluated: 2023-09-01. Review status: no assertion criteria provided. Collection method: clinical testing. Allele origin: germline. Affected: yes. Not counted in ClinVar's aggregate classification.
Comment: BP1(Strong) according to ACMG/AMP classification guidelines specified for BRCA1 & BRCA2 (Classification Criteria V1.0.0 2023-09-08) (PMID: 38160042)

Counsyl
Classification: Uncertain significance for Breast-ovarian cancer, familial, susceptibility to, 2. Last evaluated: 2016-02-19. Review status: no assertion criteria provided. Collection method: clinical testing. Allele origin: unknown. Not counted in ClinVar's aggregate classification.

Literature cited by the submitters: PubMed 33298767 (cited by Quest Diagnostics Nichols Institute San Juan Capistrano); PubMed 31853058 (cited by Quest Diagnostics Nichols Institute San Juan Capistrano); PubMed 39440754 (cited by Quest Diagnostics Nichols Institute San Juan Capistrano); PubMed 26295337 (cited by Quest Diagnostics Nichols Institute San Juan Capistrano); PubMed 25203624 (cited by Counsyl).